The following is an entry in ClinVar:

ClinVar aggregate classification (germline): Pathogenic (1 of 4 stars; one submission).

Conditions:
Peroxisome biogenesis disorder, complementation group 7 (CG7). Also called: Peroxisome biogenesis disorder, complementation group B. Identifiers: MedGen C1864399.

Submission:

Labcorp Genetics (formerly Invitae), Labcorp
Classification: Pathogenic for Peroxisome biogenesis disorder, complementation group 7. Last evaluated: 2023-12-08. Review status: criteria provided, single submitter. Criteria: Invitae Variant Classification Sherloc (09022015). Collection method: clinical testing. Allele origin: germline.
Comment: This sequence change creates a premature translational stop signal (p.Thr151Profs*2) in the PEX10 gene. It is expected to result in an absent or disrupted protein product. Loss-of-function variants in PEX10 are known to be pathogenic (PMID: 9683594, 10862081, 21031596). This variant is not present in population databases (gnomAD no frequency). This variant has not been reported in the literature in individuals affected with PEX10-related conditions. For these reasons, this variant has been classified as Pathogenic.

Literature cited by the submitters: PubMed 9683594; PubMed 10862081; PubMed 21031596.

NM_002617.4(PEX10):c.450del (p.Thr151fs)

Gene: PEX10 (peroxisomal biogenesis factor 10; minus strand). Cytogenetic location: 1p36.32.
Variant type: Deletion.
Coding change: c.450del on transcript NM_002617.4 (MANE Select); coding-DNA position 450, one base deleted (C; older notation c.450delC).
Protein change: p.Thr151fs; shifts the reading frame from threonine 151.
Molecular consequence: frameshift variant. On other transcripts: non-coding transcript variant (1).
Genome position (GRCh38, 1-based): chr1:2,408,602, G deleted on the plus strand (C on the coding strand, the reverse complement: PEX10 is on the minus strand); the first of 2 consecutive G bases (chr1:2,408,602-2,408,603); deleting either gives the same sequence. VCF-style (leftmost placement, unchanged base first): chr1-2408601-TG-T. GRCh37 (hg19) VCF-style: chr1-2340040-TG-T.
Other names: c.450del, p.Thr151fs (NM_001374425.1, NM_153818.2); c.18del, p.Thr7fs (NM_001374426.1, NM_001374427.1); short protein forms T151fs, T7fs.
Identifiers: ClinVar variation 2701439 (VCV002701439.3), dbSNP rs2522276966, ClinGen allele CA2697552032.